The following is an entry in ClinVar:

NM_005359.6(SMAD4):c.220A>C (p.Ile74Leu)

Gene: SMAD4 (SMAD family member 4; plus strand). Cytogenetic location: 18q21.2.
Variant type: single nucleotide variant.
Coding change: c.220A>C on transcript NM_005359.6 (MANE Select); coding-DNA position 220, A replaced by C.
Protein change: p.Ile74Leu; replaces isoleucine 74 with leucine.
Molecular consequence: missense variant. On other transcripts: non-coding transcript variant (2).
Genome position (GRCh38, 1-based): chr18:51,047,266, A>C. VCF-style: chr18-51047266-A-C. GRCh37 (hg19) VCF-style: chr18-48573636-A-C.
Other names: c.220A>C, p.Ile74Leu (NM_001407041.1, NM_001407042.1, NM_001407043.1); short protein forms I74L.
Identifiers: ClinVar variation 4803017 (VCV004803017.1).

ClinVar aggregate classification (germline): Uncertain significance (1 of 4 stars; one submission).

Conditions:
Juvenile polyposis syndrome (JPS). Identifiers: Orphanet 2929, MedGen C0345893, MONDO:0017380, OMIM 174900.

gnomAD v4.1: 1 of 1,613,956 alleles (0.000062%); highest among the groups gnomAD compares: Non-Finnish European, 0.000085%; no homozygotes.

Submission:

Labcorp Genetics (formerly Invitae), Labcorp
Classification: Uncertain significance for Juvenile polyposis syndrome. Last evaluated: 2025-05-29. Review status: criteria provided, single submitter. Criteria: Invitae Variant Classification Sherloc (09022015). Collection method: clinical testing. Allele origin: germline.
Comment: This sequence change replaces isoleucine, which is neutral and non-polar, with leucine, which is neutral and non-polar, at codon 74 of the SMAD4 protein (p.Ile74Leu). This variant is not present in population databases (gnomAD no frequency). This variant has not been reported in the literature in individuals affected with SMAD4-related conditions. Invitae Evidence Modeling of protein sequence and biophysical properties (such as structural, functional, and spatial information, amino acid conservation, physicochemical variation, residue mobility, and thermodynamic stability) has been performed for this missense variant. However, the output from this modeling did not meet the statistical confidence thresholds required to predict the impact of this variant on SMAD4 protein function. In summary, the available evidence is currently insufficient to determine the role of this variant in disease. Therefore, it has been classified as a Variant of Uncertain Significance.